The following is an entry in ClinVar:

NM_006180.6(NTRK2):c.720+1G>A

Gene: NTRK2 (neurotrophic receptor tyrosine kinase 2; plus strand). Cytogenetic location: 9q21.33.
Variant type: single nucleotide variant.
Coding change: c.720+1G>A on transcript NM_006180.6 (MANE Select); the canonical splice donor site of the intron after coding-DNA position 720, G replaced by A.
Molecular consequence: splice donor variant.
Genome position (GRCh38, 1-based): chr9:84,723,710, G>A. VCF-style: chr9-84723710-G-A. GRCh37 (hg19) VCF-style: chr9-87338625-G-A.
Other names: c.720+1G>A (NM_001369532.1, NM_001369533.1, NM_001018066.3 and 18 more transcripts); c.252+1G>A (NM_001369536.1, NM_001369535.1, NM_001369550.1 and 2 more transcripts).
Identifiers: ClinVar variation 3775287 (VCV003775287.1).

ClinVar aggregate classification (germline): Likely pathogenic (1 of 4 stars; one submission).

Conditions:
Developmental and epileptic encephalopathy, 58. Also called: EPILEPTIC ENCEPHALOPATHY, EARLY INFANTILE, 58. Identifiers: MedGen C4693367, MONDO:0033367, OMIM 617830.

Submission:

3billion
Classification: Likely pathogenic for Developmental and epileptic encephalopathy, 58. Last evaluated: 2023-12-07. Review status: criteria provided, single submitter. Criteria: ACMG Guidelines, 2015. Collection method: clinical testing. Allele origin: germline. Affected: yes.
Comment: The variant is not observed in the gnomAD v2.1.1 dataset. Predicted Consequence/Location: Canonical splice site: predicted to alter splicing and result in a loss or disruption of normal protein function. Therefore, this variant is classified as VUS according to the recommendation of ACMG/AMP guideline.